The following is an entry in ClinVar:

NM_004565.3(PEX14):c.36+5G>A

Gene: PEX14 (peroxisomal biogenesis factor 14; plus strand). Cytogenetic location: 1p36.22.
Variant type: single nucleotide variant.
Coding change: c.36+5G>A on transcript NM_004565.3 (MANE Select); 5 bases into the intron after coding-DNA position 36, G replaced by A.
Molecular consequence: intron variant.
Genome position (GRCh38, 1-based): chr1:10,475,007, G>A. VCF-style: chr1-10475007-G-A. GRCh37 (hg19) VCF-style: chr1-10535064-G-A.
Identifiers: ClinVar variation 1414870 (VCV001414870.6), dbSNP rs756953282, ClinGen allele CA583663.

ClinVar aggregate classification (germline): Uncertain significance (1 of 4 stars; one submission).

Conditions:
Peroxisome biogenesis disorder, complementation group K (CGK). Identifiers: MedGen C1866257, MONDO:0800365.

Allele frequency attached by ClinVar (database versions not stated): gnomAD exomes below 0.00001; ExAC 0.00001; TOPMed 0.00001.
gnomAD v4.1: 3 of 1,609,342 alleles (0.00019%); highest among the groups gnomAD compares: African/African-American, 0.0013%; no homozygotes.

Submission:

Labcorp Genetics (formerly Invitae), Labcorp
Classification: Uncertain significance for Peroxisome biogenesis disorder, complementation group K. Last evaluated: 2021-09-04. Review status: criteria provided, single submitter. Criteria: Invitae Variant Classification Sherloc (09022015). Collection method: clinical testing. Allele origin: germline.
Comment: This sequence change falls in intron 1 of the PEX14 gene. It does not directly change the encoded amino acid sequence of the PEX14 protein. It affects a nucleotide within the consensus splice site of the intron. This variant is present in population databases (rs756953282, ExAC 0.02%). This variant has not been reported in the literature in individuals affected with PEX14-related conditions. Variants that disrupt the consensus splice site are a relatively common cause of aberrant splicing (PMID: 17576681, 9536098). Algorithms developed to predict the effect of sequence changes on RNA splicing suggest that this variant is not likely to affect RNA splicing. In summary, the available evidence is currently insufficient to determine the role of this variant in disease. Therefore, it has been classified as a Variant of Uncertain Significance.

Literature cited by the submitters: PubMed 17576681; PubMed 9536098.